The following is an entry in ClinVar:

NM_006306.4(SMC1A):c.*5481G>A

Gene: SMC1A (structural maintenance of chromosomes 1A; minus strand). Cytogenetic location: Xp11.22.
Variant type: single nucleotide variant.
Coding change: c.*5481G>A on transcript NM_006306.4 (MANE Select); 5481 bases downstream of the stop codon, G replaced by A.
Molecular consequence: 3 prime UTR variant.
Genome position (GRCh38, 1-based): chrX:53,374,622, C>T on the plus strand (G>A on the coding strand, the complement: SMC1A is on the minus strand). VCF-style: chrX-53374622-C-T. GRCh37 (hg19) VCF-style: chrX-53401543-C-T.
Other names: c.*5481G>A (NM_001281463.1).
Identifiers: ClinVar variation 368544 (VCV000368544.5), dbSNP rs147896900, ClinGen allele CA10646292.

ClinVar aggregate classification (germline): Benign (1 of 4 stars; one submission).

Conditions:
Congenital muscular hypertrophy-cerebral syndrome (CDLS2). Also called: Cornelia de Lange syndrome 2; SMC1A-Related Cornelia de Lange Syndrome. Identifiers: Orphanet 199, MedGen C1802395, MONDO:0010370, OMIM 300590.

Allele frequency attached by ClinVar (database versions not stated): gnomAD 0.01612 and 0.01746; 1000 Genomes Project 0.01642; 1000 Genomes Project 30x 0.01707; TOPMed 0.01979.

Submission:

Illumina Laboratory Services, Illumina
Classification: Benign for Congenital muscular hypertrophy-cerebral syndrome. Last evaluated: 2018-01-12. Review status: criteria provided, single submitter. Criteria: ICSL Variant Classification Criteria 13 December 2019. Collection method: clinical testing. Allele origin: germline.
Comment: This variant was observed in the ICSL laboratory as part of a predisposition screen in an ostensibly healthy population. It had not been previously curated by ICSL or reported in the Human Gene Mutation Database (HGMD: prior to June 1st, 2018), and was therefore a candidate for classification through an automated scoring system. Utilizing variant allele frequency, disease prevalence and penetrance estimates, and inheritance mode, an automated score was calculated to assess if this variant is too frequent to cause the disease. Based on the score and internal cut-off values, a variant classified as benign is not then subjected to further curation. The score for this variant resulted in a classification of benign for this disease.